The following is an entry in ClinVar:

NM_001288705.3(CSF1R):c.966A>G (p.Lys322=)

Gene: CSF1R (colony stimulating factor 1 receptor; minus strand). Cytogenetic location: 5q32.
Variant type: single nucleotide variant.
Coding change: c.966A>G on transcript NM_001288705.3 (MANE Select); coding-DNA position 966, A replaced by G.
Protein change: p.Lys322=; no amino-acid change (lysine 322 retained).
Molecular consequence: synonymous variant. On other transcripts: non-coding transcript variant (2).
Genome position (GRCh38, 1-based): chr5:150,073,417, T>C on the plus strand (A>G on the coding strand, the complement: CSF1R is on the minus strand). VCF-style: chr5-150073417-T-C. GRCh37 (hg19) VCF-style: chr5-149452980-T-C.
Other names: c.966A>G, p.Lys322= (NM_001349736.2, NM_001375320.1, NM_005211.4); c.522A>G, p.Lys174= (NM_001375321.1).
Identifiers: ClinVar variation 3032215 (VCV003032215.6), dbSNP rs773356514, ClinGen allele CA3506977.

ClinVar aggregate classification (germline): Likely benign. Review status: criteria provided, single submitter (1 of 4 stars). 2 submissions from 2 submitters: Likely benign (1). 1 of the submissions does not count toward it. Last evaluated 2026-02-01.

Conditions:
CSF1R-related disorder. Also called: CSF1R-related condition. Identifiers: MedGen CN379780, MONDO:0100632.

Allele frequency attached by ClinVar (database versions not stated): TOPMed 0.00001; ExAC 0.00002; gnomAD 0.00002.
gnomAD v4.1: 13 of 1,613,986 alleles (0.00081%); highest among the groups gnomAD compares: Non-Finnish European, 0.0011%; no homozygotes.

Submissions (2):

CeGaT Center for Human Genetics Tuebingen
Classification: Likely benign. Last evaluated: 2026-02-01. Review status: criteria provided, single submitter. Criteria: CeGaT Center For Human Genetics Tuebingen Variant Classification Criteria Version 2. Collection method: clinical testing. Allele origin: germline. Affected: yes. Observed: 1 variant allele.
Comment: CSF1R: BP4, BP7

PreventionGenetics, part of Exact Sciences
Classification: Likely benign for CSF1R-related condition. Last evaluated: 2024-02-15. Review status: no assertion criteria provided. Collection method: clinical testing. Allele origin: germline. Not counted in ClinVar's aggregate classification.
Comment: This variant is classified as likely benign based on ACMG/AMP sequence variant interpretation guidelines (Richards et al. 2015 PMID: 25741868, with internal and published modifications).